The following is an entry in ClinVar:

NM_000455.5(STK11):c.1179C>A (p.Asn393Lys)

Gene: STK11 (serine/threonine kinase 11; plus strand). Cytogenetic location: 19p13.3.
Variant type: single nucleotide variant.
Coding change: c.1179C>A on transcript NM_000455.5 (MANE Select); coding-DNA position 1179, C replaced by A.
Protein change: p.Asn393Lys; replaces asparagine 393 with lysine.
Molecular consequence: missense variant.
Genome position (GRCh38, 1-based): chr19:1,226,524, C>A. VCF-style: chr19-1226524-C-A. GRCh37 (hg19) VCF-style: chr19-1226523-C-A.
Other names: short protein forms N393K.
Identifiers: ClinVar variation 458019 (VCV000458019.20), dbSNP rs863224360, ClinGen allele CA402953551.

ClinVar aggregate classification (germline): Conflicting classifications of pathogenicity. Review status: criteria provided, conflicting classifications (1 of 4 stars). 4 submissions from 4 submitters: Uncertain significance (3); Likely benign (1). Last evaluated 2026-09-11.

Conditions:
Hereditary cancer-predisposing syndrome. Also called: Neoplastic Syndromes, Hereditary; Hereditary neoplastic syndrome; Hereditary Cancer Syndrome; Tumor predisposition. Identifiers: Orphanet 140162, MedGen C0027672, MeSH D009386, MONDO:0015356.
Peutz-Jeghers syndrome (PJS). Also called: POLYPOSIS, HAMARTOMATOUS INTESTINAL; POLYPS-AND-SPOTS SYNDROME; Peutz-Jeghers polyposis; Periorificial lentiginosis syndrome. Identifiers: Orphanet 2869, MedGen C0031269, MeSH D010580, MONDO:0008280, OMIM 175200.

Allele frequency attached by ClinVar (database versions not stated): TOPMed 0.00001.
gnomAD v4.1: 1 of 1,609,432 alleles (0.000062%); highest among the groups gnomAD compares: Non-Finnish European, 0.000085%; no homozygotes.

Submissions (4):

Ambry Genetics
Classification: Likely benign for Hereditary cancer-predisposing syndrome. Last evaluated: 2026-09-11. Review status: criteria provided, single submitter. Criteria: Ambry Variant Classification Scheme 2023. Collection method: clinical testing. Allele origin: germline.

Labcorp Genetics (formerly Invitae), Labcorp
Classification: Uncertain significance for Peutz-Jeghers syndrome. Last evaluated: 2025-07-30. Review status: criteria provided, single submitter. Criteria: Invitae Variant Classification Sherloc (09022015). Collection method: clinical testing. Allele origin: germline.
Comment: This sequence change replaces asparagine, which is neutral and polar, with lysine, which is basic and polar, at codon 393 of the STK11 protein (p.Asn393Lys). This variant is not present in population databases (gnomAD no frequency). This variant has not been reported in the literature in individuals affected with STK11-related conditions. ClinVar contains an entry for this variant (Variation ID: 458019). Invitae Evidence Modeling of protein sequence and biophysical properties (such as structural, functional, and spatial information, amino acid conservation, physicochemical variation, residue mobility, and thermodynamic stability) indicates that this missense variant is not expected to disrupt STK11 protein function with a negative predictive value of 95%. In summary, the available evidence is currently insufficient to determine the role of this variant in disease. Therefore, it has been classified as a Variant of Uncertain Significance.

Genome-Nilou Lab
Classification: Uncertain significance for Peutz-Jeghers syndrome. Last evaluated: 2021-07-15. Review status: criteria provided, single submitter. Criteria: ACMG Guidelines, 2015. Collection method: clinical testing. Allele origin: germline. Affected: no.

Color Diagnostics, LLC DBA Color Health
Classification: Uncertain significance for Hereditary cancer-predisposing syndrome. Last evaluated: 2020-09-28. Review status: criteria provided, single submitter. Criteria: ACMG Guidelines, 2015. Collection method: clinical testing. Allele origin: germline.
Comment: This missense variant replaces asparagine with lysine at codon 393 of the STK11 protein. Computational prediction suggests that this variant may not impact protein structure and function (internally defined REVEL score threshold <= 0.5, PMID: 27666373). To our knowledge, functional studies have not been reported for this variant. This variant has not been reported in individuals affected with hereditary cancer in the literature. This variant has not been identified in the general population by the Genome Aggregation Database (gnomAD). The available evidence is insufficient to determine the role of this variant in disease conclusively. Therefore, this variant is classified as a Variant of Uncertain Significance.